The following is an entry in ClinVar:

NM_024577.4(SH3TC2):c.187A>G (p.Arg63Gly)

Gene: SH3TC2 (SH3 domain and tetratricopeptide repeats 2; minus strand). Cytogenetic location: 5q32.
Variant type: single nucleotide variant.
Coding change: c.187A>G on transcript NM_024577.4 (MANE Select); coding-DNA position 187, A replaced by G.
Protein change: p.Arg63Gly; replaces arginine 63 with glycine.
Molecular consequence: missense variant.
Genome position (GRCh38, 1-based): chr5:149,047,954, T>C on the plus strand (A>G on the coding strand, the complement: SH3TC2 is on the minus strand). VCF-style: chr5-149047954-T-C. GRCh37 (hg19) VCF-style: chr5-148427517-T-C.
Other names: short protein forms R63G.
Identifiers: ClinVar variation 2174196 (VCV002174196.1), dbSNP rs1754494888, ClinGen allele CA361679322.

ClinVar aggregate classification (germline): Uncertain significance (1 of 4 stars; one submission).

Conditions:
Charcot-Marie-Tooth disease type 4. Also called: Charcot-Marie-Tooth disease, type IV; Charcot-Marie-Tooth, Type 4. Identifiers: Orphanet 64749, MedGen C4082197, MONDO:0018995.

Allele frequency attached by ClinVar (database versions not stated): gnomAD exomes below 0.00001; TOPMed 0.00001.
gnomAD v4.1: 5 of 1,614,136 alleles (0.00031%); highest among the groups gnomAD compares: Non-Finnish European, 0.00042%; no homozygotes.

Submission:

Labcorp Genetics (formerly Invitae), Labcorp
Classification: Uncertain significance for Charcot-Marie-Tooth disease type 4. Last evaluated: 2022-06-13. Review status: criteria provided, single submitter. Criteria: Invitae Variant Classification Sherloc (09022015). Collection method: clinical testing. Allele origin: germline.
Comment: This sequence change replaces arginine, which is basic and polar, with glycine, which is neutral and non-polar, at codon 63 of the SH3TC2 protein (p.Arg63Gly). This variant is not present in population databases (gnomAD no frequency). This variant has not been reported in the literature in individuals affected with SH3TC2-related conditions. Advanced modeling of protein sequence and biophysical properties (such as structural, functional, and spatial information, amino acid conservation, physicochemical variation, residue mobility, and thermodynamic stability) performed at Invitae indicates that this missense variant is not expected to disrupt SH3TC2 protein function. In summary, the available evidence is currently insufficient to determine the role of this variant in disease. Therefore, it has been classified as a Variant of Uncertain Significance.